The following is an entry in ClinVar:

NM_001849.4(COL6A2):c.1276A>C (p.Arg426=)

Gene: COL6A2 (collagen type VI alpha 2 chain; plus strand). Cytogenetic location: 21q22.3.
Variant type: single nucleotide variant.
Coding change: c.1276A>C on transcript NM_001849.4 (MANE Select); coding-DNA position 1276, A replaced by C.
Protein change: p.Arg426=; no amino-acid change (arginine 426 retained).
Molecular consequence: synonymous variant.
Genome position (GRCh38, 1-based): chr21:46,119,794, A>C. VCF-style: chr21-46119794-A-C. GRCh37 (hg19) VCF-style: chr21-47539708-A-C.
Other names: c.1276A>C, p.Arg426= (NM_058174.3, NM_058175.3).
Identifiers: ClinVar variation 4533809 (VCV004533809.6).

ClinVar aggregate classification (germline): Likely benign (1 of 4 stars; one submission).

gnomAD v4.1: 1 of 1,561,846 alleles (0.000064%); highest among the groups gnomAD compares: Non-Finnish European, 0.000087%; no homozygotes.

Submission:

CeGaT Center for Human Genetics Tuebingen
Classification: Likely benign. Last evaluated: 2025-11-01. Review status: criteria provided, single submitter. Criteria: CeGaT Center For Human Genetics Tuebingen Variant Classification Criteria Version 2. Collection method: clinical testing. Allele origin: germline. Affected: yes. Observed: 1 variant allele.
Comment: COL6A2: BP4, BP7